The following is an entry in ClinVar:

NM_001330078.2(NRXN1):c.3244+4T>C

Gene: NRXN1 (neurexin 1; minus strand). Cytogenetic location: 2p16.3.
Variant type: single nucleotide variant.
Coding change: c.3244+4T>C on transcript NM_001330078.2 (MANE Select); 4 bases into the intron after coding-DNA position 3244, T replaced by C.
Molecular consequence: intron variant.
Genome position (GRCh38, 1-based): chr2:50,472,294, A>G on the plus strand (T>C on the coding strand, the complement: NRXN1 is on the minus strand). VCF-style: chr2-50472294-A-G. GRCh37 (hg19) VCF-style: chr2-50699432-A-G.
Other names: c.3133+4T>C (NM_001330096.2, NM_001330087.2); c.3178+4T>C (NM_001330083.2, NM_001330084.2); c.3163+4T>C (NM_001330088.2); c.3241+4T>C (NM_001330093.2); c.3232+4T>C (NM_001330094.2); c.3193+4T>C (NM_001330095.2); c.3220+4T>C (NM_001330082.2, NM_001330077.2); c.3217+4T>C (NM_001330085.2); and 2 more.
Identifiers: ClinVar variation 1405941 (VCV001405941.6), dbSNP rs200569040, ClinGen allele CA1654638.

ClinVar aggregate classification (germline): Uncertain significance (1 of 4 stars; one submission).

Conditions:
Pitt-Hopkins-like syndrome 2 (PTHSL2). Identifiers: Orphanet 221150, Orphanet 600663, MedGen C3280479, MONDO:0013690, OMIM 614325.

Allele frequency attached by ClinVar (database versions not stated): gnomAD exomes below 0.00001 and 0.00001; ExAC 0.00001.
gnomAD v4.1: 16 of 1,557,750 alleles (0.001%); highest among the groups gnomAD compares: Non-Finnish European, 0.0014%; no homozygotes.

Submission:

Labcorp Genetics (formerly Invitae), Labcorp
Classification: Uncertain significance for Pitt-Hopkins-like syndrome 2. Last evaluated: 2024-04-05. Review status: criteria provided, single submitter. Criteria: Invitae Variant Classification Sherloc (09022015). Collection method: clinical testing. Allele origin: germline.
Comment: This sequence change falls in intron 17 of the NRXN1 gene. It does not directly change the encoded amino acid sequence of the NRXN1 protein. It affects a nucleotide within the consensus splice site. The frequency data for this variant in the population databases is considered unreliable, as metrics indicate poor data quality at this position in the gnomAD database. This variant has not been reported in the literature in individuals affected with NRXN1-related conditions. ClinVar contains an entry for this variant (Variation ID: 1405941). Variants that disrupt the consensus splice site are a relatively common cause of aberrant splicing (PMID: 17576681, 9536098). Algorithms developed to predict the effect of sequence changes on RNA splicing suggest that this variant is not likely to affect RNA splicing. In summary, the available evidence is currently insufficient to determine the role of this variant in disease. Therefore, it has been classified as a Variant of Uncertain Significance.

Literature cited by the submitters: PubMed 17576681; PubMed 9536098.